The following is an entry in ClinVar:

ClinVar aggregate classification (germline): Uncertain significance (1 of 4 stars; one submission).

Conditions:
Spastic paraplegia. Identifiers: MedGen C0037772, HP:0001258.

Submission:

Labcorp Genetics (formerly Invitae), Labcorp
Classification: Uncertain significance for Spastic paraplegia. Last evaluated: 2024-05-15. Review status: criteria provided, single submitter. Criteria: Invitae Variant Classification Sherloc (09022015). Collection method: clinical testing. Allele origin: germline.
Comment: This sequence change replaces asparagine, which is neutral and polar, with serine, which is neutral and polar, at codon 208 of the HSPD1 protein (p.Asn208Ser). This variant is not present in population databases (gnomAD no frequency). This variant has not been reported in the literature in individuals affected with HSPD1-related conditions. ClinVar contains an entry for this variant (Variation ID: 1980847). Advanced modeling of protein sequence and biophysical properties (such as structural, functional, and spatial information, amino acid conservation, physicochemical variation, residue mobility, and thermodynamic stability) performed at Invitae indicates that this missense variant is not expected to disrupt HSPD1 protein function with a negative predictive value of 80%. In summary, the available evidence is currently insufficient to determine the role of this variant in disease. Therefore, it has been classified as a Variant of Uncertain Significance.

NM_002156.5(HSPD1):c.623A>G (p.Asn208Ser)

Gene: HSPD1 (heat shock protein family D (Hsp60) member 1; minus strand). Cytogenetic location: 2q33.1.
Variant type: single nucleotide variant.
Coding change: c.623A>G on transcript NM_002156.5 (MANE Select); coding-DNA position 623, A replaced by G.
Protein change: p.Asn208Ser; replaces asparagine 208 with serine.
Molecular consequence: missense variant.
Genome position (GRCh38, 1-based): chr2:197,494,234, T>C on the plus strand (A>G on the coding strand, the complement: HSPD1 is on the minus strand). VCF-style: chr2-197494234-T-C. GRCh37 (hg19) VCF-style: chr2-198358958-T-C.
Other names: c.623A>G, p.Asn208Ser (NM_199440.2); short protein forms N208S.
Identifiers: ClinVar variation 1980847 (VCV001980847.4), dbSNP rs1205193922, ClinGen allele CA350202100.
Genomic context (GRCh38, chr2:197,494,234, plus strand): 5'-AAGTATGGAGAAATATAGCCTCGATCAAACTTCATGCCTTCAATAATTTCTAATTCATCA[T>C]TCAGTGTTTTTCCATCCTATGAAAAGTCAAAGAATTAGGTATATGGATTTCATTGAACAC-3'
Protein context (NP_002147.2, residues 198-218): VITVKDGKTL[Asn208Ser]DELEIIEGMK